The following is an entry in ClinVar:

ClinVar aggregate classification (germline): Likely benign (1 of 4 stars; one submission).

Submission:

CeGaT Center for Human Genetics Tuebingen
Classification: Likely benign. Last evaluated: 2024-11-01. Review status: criteria provided, single submitter. Criteria: CeGaT Center For Human Genetics Tuebingen Variant Classification Criteria Version 2. Collection method: clinical testing. Allele origin: germline. Affected: yes. Observed: 1 variant allele.
Comment: AHNAK2: BP4, BP7

NM_138420.4(AHNAK2):c.6051G>A (p.Lys2017=)

Gene: AHNAK2 (AHNAK nucleoprotein 2; minus strand). Cytogenetic location: 14q32.33.
Variant type: single nucleotide variant.
Coding change: c.6051G>A on transcript NM_138420.4 (MANE Select); coding-DNA position 6051, G replaced by A.
Protein change: p.Lys2017=; no amino-acid change (lysine 2017 retained).
Molecular consequence: synonymous variant.
Genome position (GRCh38, 1-based): chr14:104,949,400, C>T on the plus strand (G>A on the coding strand, the complement: AHNAK2 is on the minus strand). VCF-style: chr14-104949400-C-T. GRCh37 (hg19) VCF-style: chr14-105415737-C-T.
Other names: c.5751G>A, p.Lys1917= (NM_001350929.2).
Identifiers: ClinVar variation 3388323 (VCV003388323.14).
Genomic context (GRCh38, chr14:104,949,400, plus strand): 5'-GCTGAGGTCAGTGGTCTTCAGGTCCCCCTGCATGGAGGGGAGACTCACGTCGGCCTCCAC[C>T]TTGGGTGCAGGCACATCCACCGAGGCCTCGATGGACCTCCCTGGGGCCGATACCCCGAAC-3'
Protein context (NP_612429.2, residues 2007-2027): IEASVDVPAP[Lys2017=]VEADVSLPSM